The following is an entry in ClinVar:

ClinVar aggregate classification (germline): Conflicting classifications of pathogenicity. Review status: criteria provided, conflicting classifications (1 of 4 stars). 2 submissions from 2 submitters: Likely pathogenic (1); Uncertain significance (1). Last evaluated 2025-09-08.

Conditions:
Neurofibromatosis, type 2 (SWNV). Also called: BILATERAL ACOUSTIC NEUROFIBROMATOSIS; SCHWANNOMATOSIS, VESTIBULAR; NF2-Related Schwannomatosis. Identifiers: Orphanet 637, MedGen C0027832, MONDO:0007039, OMIM 101000. Disease mechanism: loss of function.

Submissions (2):

Labcorp Genetics (formerly Invitae), Labcorp
Classification: Likely pathogenic for Neurofibromatosis, type 2. Last evaluated: 2025-09-08. Review status: criteria provided, single submitter. Criteria: Invitae Variant Classification Sherloc (09022015). Collection method: clinical testing. Allele origin: germline.
Comment: This sequence change affects an acceptor splice site in intron 10 of the NF2 gene. It is expected to disrupt RNA splicing. Variants that disrupt the donor or acceptor splice site typically lead to a loss of protein function (PMID: 16199547), and loss-of-function variants in NF2 are known to be pathogenic (PMID: 9643284, 16983642). This variant is not present in population databases (gnomAD no frequency). This variant has not been reported in the literature in individuals affected with NF2-related conditions. ClinVar contains an entry for this variant (Variation ID: 2184128). Studies have shown that disruption of this splice site is associated with altered splicing resulting in multiple RNA products (internal data). In summary, the currently available evidence indicates that the variant is pathogenic, but additional data are needed to prove that conclusively. Therefore, this variant has been classified as Likely Pathogenic.

GeneDx
Classification: Uncertain significance. Last evaluated: 2024-12-13. Review status: criteria provided, single submitter. Criteria: GeneDx Variant Classification Process June 2021. Collection method: clinical testing. Allele origin: germline. Affected: yes.
Comment: Not observed at significant frequency in large population cohorts (gnomAD); Canonical splice site variant with an unclear effect on protein function; Has not been previously published as pathogenic or benign to our knowledge; This variant is associated with the following publications: (PMID: 16324214, 17134719, 22482125)

Literature cited by the submitters: PubMed 16199547 (cited by Labcorp Genetics (formerly Invitae), Labcorp); PubMed 9643284 (cited by Labcorp Genetics (formerly Invitae), Labcorp); PubMed 16983642 (cited by Labcorp Genetics (formerly Invitae), Labcorp).

NM_000268.4(NF2):c.1000-2A>G

Gene: NF2 (NF2, moesin-ezrin-radixin like (MERLIN) tumor suppressor; plus strand). Cytogenetic location: 22q12.2.
Variant type: single nucleotide variant.
Coding change: c.1000-2A>G on transcript NM_000268.4 (MANE Select); the canonical splice acceptor site of the intron before coding-DNA position 1000, A replaced by G.
Molecular consequence: splice acceptor variant. On other transcripts: intron variant (1).
Genome position (GRCh38, 1-based): chr22:29,671,824, A>G. VCF-style: chr22-29671824-A-G. GRCh37 (hg19) VCF-style: chr22-30067813-A-G.
Other names: c.1000-2A>G (NM_016418.5, NM_181832.3, NM_001407060.1 and 2 more transcripts); c.886-2A>G (NM_001407056.1, NM_001407053.1); c.769-2A>G (NM_001407067.1); c.466-2A>G (NM_001407065.1); c.865-2A>G (NM_001407059.1, NM_001407057.1); c.448-22928A>G (NM_181833.3); c.877-2A>G (NM_001407058.1, NM_181829.3, NM_001407054.1); c.742-2A>G (NM_001407062.1); and 2 more.
Identifiers: ClinVar variation 2184128 (VCV002184128.5), dbSNP rs2147070763, ClinGen allele CA411146615.